The following is an entry in ClinVar:

NM_001198800.3(ASCC1):c.157dup (p.Glu53fs)

Gene: ASCC1 (activating signal cointegrator 1 complex subunit 1; minus strand). Cytogenetic location: 10q22.1.
Variant type: Duplication.
Coding change: c.157dup on transcript NM_001198800.3 (MANE Select); coding-DNA position 157, one base duplicated (G; older notation c.157dupG).
Protein change: p.Glu53fs; shifts the reading frame from glutamic acid 53.
Molecular consequence: frameshift variant. On other transcripts: non-coding transcript variant (1).
Genome position (GRCh38, 1-based): chr10:72,210,787, C duplicated on the plus strand (G on the coding strand, the reverse complement: ASCC1 is on the minus strand); the first of 2 consecutive C bases (chr10:72,210,787-72,210,788); duplicating either gives the same sequence. VCF-style (leftmost placement, unchanged base first): chr10-72210786-T-TC. GRCh37 (hg19) VCF-style: chr10-73970544-T-TC.
Other names: c.157dup (NM_001198800.2); c.157dupG (NM_001198800.3); c.157dup, p.Glu53fs (NM_001198798.2, NM_001198799.3, NM_001369087.1 and 19 more transcripts); c.223dup, p.Glu75fs (NM_001369085.1, NM_001369086.1, NM_001369099.1); c.40dup, p.Glu14fs (NM_001369101.1, NM_001369102.1, NM_001369105.1 and 2 more transcripts); short protein forms E14fs, E53fs, E75fs.
Identifiers: ClinVar variation 224639 (VCV000224639.18), dbSNP rs753324947, ClinGen allele CA351430.

ClinVar aggregate classification (germline): Pathogenic/Likely pathogenic. Review status: criteria provided, multiple submitters, no conflicts (2 of 4 stars). 10 submissions from 9 submitters: Pathogenic (7); Likely pathogenic (2). 1 of the submissions does not count toward it. Last evaluated 2025-09-10.

Conditions:
ASCC1-related disorder. Also called: ASCC1-Related Disorders; ASCC1-related condition.
Spinal muscular atrophy with congenital bone fractures 2 (SMABF2). Identifiers: MedGen C4225176, MONDO:0014807, OMIM 616867.

Submissions (10):

Dasa
Classification: Pathogenic. Last evaluated: 2025-09-10. Review status: criteria provided, single submitter. Criteria: DASA Assertion Criteria. Collection method: clinical testing. Allele origin: germline.
Comment: NM_001198800.3(ASCC1):c.157dup (p.Glu53Glyfs*19) introduces a premature termination codon predicted to result in loss of normal protein function. Loss-of-function is an established mechanism of disease for this gene. Segregation evidence has been reported in affected families. This variant has been recurrently observed in affected individuals with related phenotype in a genotype context consistent with recessive disease (PMID: 32160656; PMID: 26924529). The variant is present at low frequency in population datasets. Based on the available data, this variant is classified as pathogenic.

Labcorp Genetics (formerly Invitae), Labcorp
Classification: Pathogenic. Last evaluated: 2025-06-13. Review status: criteria provided, single submitter. Criteria: Invitae Variant Classification Sherloc (09022015). Collection method: clinical testing. Allele origin: germline.
Comment: This sequence change creates a premature translational stop signal (p.Glu53Glyfs*19) in the ASCC1 gene. It is expected to result in an absent or disrupted protein product. Loss-of-function variants in ASCC1 are known to be pathogenic (PMID: 30327447). This variant is present in population databases (rs753324947, gnomAD 0.009%). This premature translational stop signal has been observed in individuals with clinical features of ASCC1-related conditions (PMID: 26924529, 28218388, 30327447). It has also been observed to segregate with disease in related individuals. ClinVar contains an entry for this variant (Variation ID: 224639). Algorithms developed to predict the effect of sequence changes on RNA splicing suggest that this variant may disrupt the consensus splice site. For these reasons, this variant has been classified as Pathogenic.

Women's Health and Genetics/Laboratory Corporation of America, LabCorp
Classification: Pathogenic for ASCC1-Related Disorders. Last evaluated: 2024-03-12. Review status: criteria provided, single submitter. Criteria: LabCorp Variant Classification Summary - May 2015. Collection method: clinical testing. Allele origin: germline.
Comment: Variant summary: ASCC1 c.157dupG (p.Glu53GlyfsX19) results in a premature termination codon, predicted to cause absence of the protein due to nonsense mediated decay, which is a commonly known mechanism for disease. The variant allele was found at a frequency of 2.8e-05 in 251406 control chromosomes (gnomAD). c.157dupG has been reported in the literature in individuals affected with Spinal Muscular Atrophy and Congenital Bone Fractures, an ASCC1-Related Disorder (e.g. Knierim_2016). These data indicate that the variant is very likely to be associated with disease. To our knowledge, no experimental evidence demonstrating an impact on protein function has been reported. The following publication has been ascertained in the context of this evaluation (PMID: 26924529). ClinVar contains an entry for this variant (Variation ID: 224639). Based on the evidence outlined above, the variant was classified as pathogenic.

Muscle and Diseases Team, Institut de Génétique et Biologie Moléculaire et Cellulaire
Classification: Pathogenic for Spinal muscular atrophy with congenital bone fractures 2. Last evaluated: 2024-03-01. Review status: criteria provided, single submitter. Criteria: ACMG Guidelines, 2015. Collection method: research. Allele origin: paternal. Affected: yes. Observed: 1 variant allele.
Comment: PSV1+PM2+PP3

Equipe Genetique des Anomalies du Developpement, Université de Bourgogne
Classification: Likely pathogenic for Spinal muscular atrophy with congenital bone fractures 2. Last evaluated: 2021-10-28. Review status: criteria provided, single submitter. Criteria: ACMG Guidelines, 2015. Collection method: clinical testing. Allele origin: biparental. Affected: yes.

Equipe Genetique des Anomalies du Developpement, Université de Bourgogne
Classification: Likely pathogenic. Last evaluated: 2021-09-15. Review status: criteria provided, single submitter. Criteria: ACMG Guidelines, 2015. Collection method: clinical testing. Allele origin: biparental. Inheritance: Autosomal recessive inheritance. Affected: yes.

Genetics Laboratory, UDIAT-Centre Diagnòstic, Hospital Universitari Parc Tauli
Classification: Pathogenic. Last evaluated: 2021-04-26. Review status: criteria provided, single submitter. Criteria: Parc Tauli Hospital Assertion Criteria 2021. Collection method: clinical testing. Allele origin: inherited. Inheritance: Autosomal recessive inheritance. Affected: yes. Observed: 1 homozygote.
Comment: PVS1_very strong;PM3_supporting;PP5_supporting

Mendelics
Classification: Pathogenic for Spinal muscular atrophy with congenital bone fractures 2. Last evaluated: 2019-05-28. Review status: criteria provided, single submitter. Criteria: Mendelics Assertion Criteria 2017. Collection method: clinical testing. Allele origin: unknown.

Revvity Omics, Revvity
Classification: Pathogenic. Last evaluated: 2019-04-01. Review status: criteria provided, single submitter. Criteria: ACMG Guidelines, 2015. Collection method: clinical testing. Allele origin: germline.

OMIM
Classification: Pathogenic for SPINAL MUSCULAR ATROPHY WITH CONGENITAL BONE FRACTURES 2. Last evaluated: 2020-01-06. Review status: no assertion criteria provided. Collection method: literature only. Allele origin: germline. Not counted in ClinVar's aggregate classification.

Literature cited by the submitters: PubMed 32160656 (cited by Dasa); PubMed 26924529 (cited by 4 submitters); PubMed 30327447 (cited by 3 submitters); PubMed 28218388 (cited by Labcorp Genetics (formerly Invitae), Labcorp and OMIM); DOI 10.1186/s13073-024-01353-0 (cited by Muscle and Diseases Team, Institut de Génétique et Biologie Moléculaire et Cellulaire); PubMed 33931933 (cited by Equipe Genetique des Anomalies du Developpement, Université de Bourgogne).